The following is an entry in ClinVar:

NM_025144.4(ALPK1):c.2858C>T (p.Ser953Phe)

Gene: ALPK1 (alpha kinase 1; plus strand). Cytogenetic location: 4q25.
Variant type: single nucleotide variant.
Coding change: c.2858C>T on transcript NM_025144.4 (MANE Select); coding-DNA position 2858, C replaced by T.
Protein change: p.Ser953Phe; replaces serine 953 with phenylalanine.
Molecular consequence: missense variant.
Genome position (GRCh38, 1-based): chr4:112,432,405, C>T. VCF-style: chr4-112432405-C-T. GRCh37 (hg19) VCF-style: chr4-113353561-C-T.
Other names: c.2858C>T (NM_025144.3); c.2858C>T, p.Ser953Phe (NM_001102406.2); c.2624C>T, p.Ser875Phe (NM_001253884.2); short protein forms S953F, S875F.
Identifiers: ClinVar variation 2193123 (VCV002193123.5), dbSNP rs200148939, ClinGen allele CA3047003.

ClinVar aggregate classification (germline): Uncertain significance. Review status: criteria provided, multiple submitters, no conflicts (2 of 4 stars). 2 submissions from 2 submitters: Uncertain significance (2). Last evaluated 2025-11-23.

Conditions:
Inborn genetic diseases. Identifiers: MedGen C0950123, MeSH D030342.

Allele frequency attached by ClinVar (database versions not stated): ExAC 0.00007; gnomAD 0.00009; TOPMed 0.00012; gnomAD exomes 0.00013; ESP Exome Variant Server 0.00015.
gnomAD v4.1: 203 of 1,613,966 alleles (0.013%); highest among the groups gnomAD compares: Non-Finnish European, 0.016%; no homozygotes.

Submissions (2):

Labcorp Genetics (formerly Invitae), Labcorp
Classification: Uncertain significance. Last evaluated: 2025-11-23. Review status: criteria provided, single submitter. Criteria: Invitae Variant Classification Sherloc (09022015). Collection method: clinical testing. Allele origin: germline.
Comment: This sequence change replaces serine, which is neutral and polar, with phenylalanine, which is neutral and non-polar, at codon 953 of the ALPK1 protein (p.Ser953Phe). This variant is present in population databases (rs200148939, gnomAD 0.01%). This variant has not been reported in the literature in individuals affected with ALPK1-related conditions. ClinVar contains an entry for this variant (Variation ID: 2193123). Invitae Evidence Modeling of protein sequence and biophysical properties (such as structural, functional, and spatial information, amino acid conservation, physicochemical variation, residue mobility, and thermodynamic stability) indicates that this missense variant is expected to disrupt ALPK1 protein function with a positive predictive value of 80%. In summary, the available evidence is currently insufficient to determine the role of this variant in disease. Therefore, it has been classified as a Variant of Uncertain Significance.

Ambry Genetics
Classification: Uncertain significance for Inborn genetic diseases. Last evaluated: 2023-09-29. Review status: criteria provided, single submitter. Criteria: Ambry Variant Classification Scheme 2023. Collection method: clinical testing. Allele origin: germline.